The following is an entry in ClinVar:

ClinVar aggregate classification (germline): Uncertain significance (1 of 4 stars; one submission).

Conditions:
Hereditary cancer-predisposing syndrome. Also called: Tumor predisposition; Hereditary Cancer Syndrome; Neoplastic Syndromes, Hereditary; Hereditary neoplastic syndrome. Identifiers: Orphanet 140162, MedGen C0027672, MeSH D009386, MONDO:0015356.

Submission:

Ambry Genetics
Classification: Uncertain significance for Hereditary cancer-predisposing syndrome. Last evaluated: 2021-08-21. Review status: criteria provided, single submitter. Criteria: Ambry Variant Classification Scheme 2023. Collection method: clinical testing. Allele origin: germline.
Comment: The p.S9T variant (also known as c.25T>A), located in coding exon 1 of the FANCC gene, results from a T to A substitution at nucleotide position 25. The serine at codon 9 is replaced by threonine, an amino acid with similar properties. This amino acid position is conserved. In addition, this alteration is predicted to be tolerated by in silico analysis. Since supporting evidence is limited at this time, the clinical significance of this alteration remains unclear.

NM_000136.3(FANCC):c.25T>A (p.Ser9Thr)

Gene: FANCC (FA complementation group C; minus strand). Cytogenetic location: 9q22.32.
Variant type: single nucleotide variant.
Coding change: c.25T>A on transcript NM_000136.3 (MANE Select); coding-DNA position 25, T replaced by A.
Protein change: p.Ser9Thr; replaces serine 9 with threonine.
Molecular consequence: missense variant.
Genome position (GRCh38, 1-based): chr9:95,249,267, A>T on the plus strand (T>A on the coding strand, the complement: FANCC is on the minus strand). VCF-style: chr9-95249267-A-T. GRCh37 (hg19) VCF-style: chr9-98011549-A-T.
Other names: c.25T>A, p.Ser9Thr (NM_001243743.2, NM_001243744.2); short protein forms S9T.
Identifiers: ClinVar variation 1793659 (VCV001793659.2), dbSNP rs2542863634, ClinGen allele CA374340504.